The following is an entry in ClinVar:

ClinVar aggregate classification (germline): Uncertain significance (1 of 4 stars; one submission).

Conditions:
Primary dilated cardiomyopathy (DCM). Also called: Dilated Cardiomyopathy. Identifiers: Orphanet 217604, MedGen C0007193, MeSH D002311, MONDO:0005021, HP:0001644. Inheritance: Various modes of inheritance.

Allele frequency attached by ClinVar (database versions not stated): TOPMed below 0.00001; ExAC 0.00001; gnomAD exomes 0.00002; gnomAD 0.00001.
gnomAD v4.1: 21 of 1,613,654 alleles (0.0013%); highest among the groups gnomAD compares: East Asian, 0.0022%; no homozygotes.

Submission:

Labcorp Genetics (formerly Invitae), Labcorp
Classification: Uncertain significance for Primary dilated cardiomyopathy. Last evaluated: 2026-01-10. Review status: criteria provided, single submitter. Criteria: Invitae Variant Classification Sherloc (09022015). Collection method: clinical testing. Allele origin: germline.
Comment: This sequence change replaces methionine, which is neutral and non-polar, with valine, which is neutral and non-polar, at codon 540 of the NEBL protein (p.Met540Val). This variant is present in population databases (rs775443359, gnomAD 0.005%). This variant has not been reported in the literature in individuals affected with NEBL-related conditions. ClinVar contains an entry for this variant (Variation ID: 2891871). An algorithm developed to predict the effect of missense changes on protein structure and function outputs the following: PolyPhen-2: "Benign". The valine amino acid residue is found in multiple mammalian species, which suggests that this missense change does not adversely affect protein function. In summary, the available evidence is currently insufficient to determine the role of this variant in disease. Therefore, it has been classified as a Variant of Uncertain Significance.

NM_006393.3(NEBL):c.1618A>G (p.Met540Val)

Gene: NEBL (nebulette; minus strand). Cytogenetic location: 10p12.31.
Variant type: single nucleotide variant.
Coding change: c.1618A>G on transcript NM_006393.3 (MANE Select); coding-DNA position 1618, A replaced by G.
Protein change: p.Met540Val; replaces methionine 540 with valine.
Molecular consequence: missense variant. On other transcripts: intron variant (9).
Genome position (GRCh38, 1-based): chr10:20,831,249, T>C on the plus strand (A>G on the coding strand, the complement: NEBL is on the minus strand). VCF-style: chr10-20831249-T-C. GRCh37 (hg19) VCF-style: chr10-21120178-T-C.
Other names: c.250-18309A>G (NM_001377326.1, NM_001377327.1, NM_001377328.1); c.358-18309A>G (NM_213569.2, NM_001173484.2, NM_001377322.1); c.301-18309A>G (NM_001377324.1); c.292-18309A>G (NM_001377325.1); c.310-18309A>G (NM_001377323.1); short protein forms M540V.
Identifiers: ClinVar variation 2891871 (VCV002891871.3), dbSNP rs775443359, ClinGen allele CA5432803.